The following is an entry in ClinVar:

ClinVar aggregate classification (germline): Uncertain significance. Review status: criteria provided, multiple submitters, no conflicts (2 of 4 stars). 2 submissions from 2 submitters: Uncertain significance (2). Last evaluated 2022-11-01.

Conditions:
Intellectual disability-facial dysmorphism syndrome due to SETD5 haploinsufficiency (MRD23). Also called: Intellectual developmental disorder, autosomal dominant 23. Identifiers: Orphanet 404440, MedGen C3810406, MONDO:0014336, OMIM 615761.

Submissions (2):

Labcorp Genetics (formerly Invitae), Labcorp
Classification: Uncertain significance. Last evaluated: 2022-11-01. Review status: criteria provided, single submitter. Criteria: Invitae Variant Classification Sherloc (09022015). Collection method: clinical testing. Allele origin: germline.
Comment: In summary, the available evidence is currently insufficient to determine the role of this variant in disease. Therefore, it has been classified as a Variant of Uncertain Significance. Advanced modeling of protein sequence and biophysical properties (such as structural, functional, and spatial information, amino acid conservation, physicochemical variation, residue mobility, and thermodynamic stability) performed at Invitae indicates that this missense variant is expected to disrupt SETD5 protein function. ClinVar contains an entry for this variant (Variation ID: 1028534). This variant has not been reported in the literature in individuals affected with SETD5-related conditions. This variant is not present in population databases (gnomAD no frequency). This sequence change replaces cysteine, which is neutral and slightly polar, with serine, which is neutral and polar, at codon 901 of the SETD5 protein (p.Cys901Ser).

Baylor Genetics
Classification: Uncertain significance for Intellectual disability-facial dysmorphism syndrome due to SETD5 haploinsufficiency. Last evaluated: 2020-01-22. Review status: criteria provided, single submitter. Criteria: ACMG Guidelines, 2015. Collection method: clinical testing. Allele origin: unknown. Affected: yes.
Comment: This variant was determined to be of uncertain significance according to ACMG Guidelines, 2015 [PMID:25741868].

NM_001080517.3(SETD5):c.2701T>A (p.Cys901Ser)

Gene: SETD5 (SET domain containing 5; plus strand). Cytogenetic location: 3p25.3.
Variant type: single nucleotide variant.
Coding change: c.2701T>A on transcript NM_001080517.3 (MANE Select); coding-DNA position 2701, T replaced by A.
Protein change: p.Cys901Ser; replaces cysteine 901 with serine.
Molecular consequence: missense variant.
Genome position (GRCh38, 1-based): chr3:9,464,649, T>A. VCF-style: chr3-9464649-T-A. GRCh37 (hg19) VCF-style: chr3-9506333-T-A.
Other names: c.2407T>A, p.Cys803Ser (NM_001292043.2, NM_001349451.2); short protein forms C803S, C901S.
Identifiers: ClinVar variation 1028534 (VCV001028534.4), dbSNP rs2044348679, ClinGen allele CA351708434.
Genomic context (GRCh38, chr3:9,464,649, plus strand): 5'-TGTCGAAATGGATACAGCCTCATGTTTTCACCAGTCACATCTCTTACTACTGCTAGTCGC[T>A]GCAACACTCCTCTACAGTTTGAGGTGATTTGGGTTTGGTTGCTGGGAGTGCTGGATATGA-3'
Protein context (NP_001073986.1, residues 891-911): PVTSLTTASR[Cys901Ser]NTPLQFELCH